The following is an entry in ClinVar:

ClinVar aggregate classification (germline): Pathogenic (1 of 4 stars; one submission).

Conditions:
Osteogenesis imperfecta type I (OI1). Also called: Lobstein disease; Classic Non-deforming Osteogenesis Imperfecta with Blue Sclerae; OI, TYPE I; OSTEOGENESIS IMPERFECTA TARDA; OSTEOGENESIS IMPERFECTA WITH BLUE SCLERAE; Osteogenesis imperfecta type 1. Identifiers: Orphanet 216796, Orphanet 666, MedGen C0023931, MONDO:0008146, OMIM 166200. Disease mechanism: loss of function.

Submission:

Labcorp Genetics (formerly Invitae), Labcorp
Classification: Pathogenic for Osteogenesis imperfecta type I. Last evaluated: 2025-06-11. Review status: criteria provided, single submitter. Criteria: Invitae Variant Classification Sherloc (09022015). Collection method: clinical testing. Allele origin: germline.
Comment: This sequence change creates a premature translational stop signal (p.Lys1253Argfs*78) in the COL1A1 gene. It is expected to result in an absent or disrupted protein product. Loss-of-function variants in COL1A1 are known to be pathogenic (PMID: 7942841, 9295084, 9443882). This variant is not present in population databases (gnomAD no frequency). This variant has not been reported in the literature in individuals affected with COL1A1-related conditions. For these reasons, this variant has been classified as Pathogenic.

Literature cited by the submitters: PubMed 7942841; PubMed 9295084; PubMed 9443882.

NM_000088.4(COL1A1):c.3756del (p.Lys1253fs)

Gene: COL1A1 (collagen type I alpha 1 chain; minus strand). Cytogenetic location: 17q21.33.
Variant type: Deletion.
Coding change: c.3756del on transcript NM_000088.4 (MANE Select); coding-DNA position 3756, one base deleted (C; older notation c.3756delC).
Protein change: p.Lys1253fs; shifts the reading frame from lysine 1253.
Molecular consequence: frameshift variant.
Genome position (GRCh38, 1-based): chr17:50,186,698, G deleted on the plus strand (C on the coding strand, the reverse complement: COL1A1 is on the minus strand). VCF-style (leftmost placement, unchanged base first): chr17-50186697-TG-T. GRCh37 (hg19) VCF-style: chr17-48264058-TG-T.
Other names: short protein forms K1253fs.
Identifiers: ClinVar variation 4721246 (VCV004721246.1).